The following is an entry in ClinVar:

ClinVar aggregate classification (germline): Pathogenic (1 of 4 stars; one submission).

Conditions:
Spongy degeneration of central nervous system. Also called: ACY2 DEFICIENCY; AMINOACYLASE 2 DEFICIENCY; ASP DEFICIENCY; ASPA DEFICIENCY; ASPARTOACYLASE DEFICIENCY; CANAVAN-VAN BOGAERT-BERTRAND DISEASE. Identifiers: Orphanet 141, MedGen C0206307, MONDO:0010079, OMIM 271900.

Submission:

Labcorp Genetics (formerly Invitae), Labcorp
Classification: Pathogenic for Spongy degeneration of central nervous system. Last evaluated: 2022-05-22. Review status: criteria provided, single submitter. Criteria: Invitae Variant Classification Sherloc (09022015). Collection method: clinical testing. Allele origin: germline.
Comment: For these reasons, this variant has been classified as Pathogenic. This variant has not been reported in the literature in individuals affected with ASPA-related conditions. This variant is not present in population databases (gnomAD no frequency). This sequence change creates a premature translational stop signal (p.Gly27Glufs*9) in the ASPA gene. It is expected to result in an absent or disrupted protein product. Loss-of-function variants in ASPA are known to be pathogenic (PMID: 12638939).

Literature cited by the submitters: PubMed 12638939.

NM_000049.4(ASPA):c.80del (p.Gly27fs)

Genes: ASPA (aspartoacylase; plus strand), SPATA22 (spermatogenesis associated 22; minus strand). Cytogenetic location: 17p13.2.
Variant type: Deletion.
Coding change: c.80del on transcript NM_000049.4 (MANE Select); coding-DNA position 80, one base deleted (G; older notation c.80delG).
Protein change: p.Gly27fs; shifts the reading frame from glycine 27.
Molecular consequence: frameshift variant. On other transcripts: intron variant (2).
Genome position (GRCh38, 1-based): chr17:3,476,239, G deleted; the last of 2 consecutive G bases (chr17:3,476,238-3,476,239); deleting either gives the same sequence. VCF-style (leftmost placement, unchanged base first): chr17-3476237-CG-C. GRCh37 (hg19) VCF-style: chr17-3379531-CG-C.
Other names: c.80del, p.Gly27fs (NM_001128085.1); c.-73-6840del (NM_001321336.2, NM_001321337.2); short protein forms G27fs.
Identifiers: ClinVar variation 1998122 (VCV001998122.4), dbSNP rs2543606575, ClinGen allele CA2580092484.